The following is an entry in ClinVar:

NM_001302348.2(UMAD1):c.337T>C (p.Ser113Pro)

Gene: UMAD1 (UBAP1-MVB12-associated (UMA) domain containing 1; plus strand). Cytogenetic location: 7p21.3.
Variant type: single nucleotide variant.
Coding change: c.337T>C on transcript NM_001302348.2 (MANE Select); coding-DNA position 337, T replaced by C.
Protein change: p.Ser113Pro; replaces serine 113 with proline.
Molecular consequence: missense variant.
Genome position (GRCh38, 1-based): chr7:7,877,461, T>C. VCF-style: chr7-7877461-T-C. GRCh37 (hg19) VCF-style: chr7-7917092-T-C.
Other names: c.337T>C, p.Ser113Pro (NM_001302349.2); c.232T>C, p.Ser78Pro (NM_001302350.2); short protein forms S113P, S78P.
Identifiers: ClinVar variation 4280751 (VCV004280751.7).

ClinVar aggregate classification (germline): Likely benign (1 of 4 stars; one submission).

gnomAD v4.1: 2,508 of 717,686 alleles (0.35%); highest among the groups gnomAD compares: Non-Finnish European, 0.51%; 8 homozygotes.

Submission:

CeGaT Center for Human Genetics Tuebingen
Classification: Likely benign. Last evaluated: 2025-08-01. Review status: criteria provided, single submitter. Criteria: CeGaT Center For Human Genetics Tuebingen Variant Classification Criteria Version 2. Collection method: clinical testing. Allele origin: germline. Affected: yes. Observed: 1 variant allele.
Comment: UMAD1: BP4, BS2